The following is an entry in ClinVar:

ClinVar aggregate classification (germline): Uncertain significance (1 of 4 stars; one submission).

Conditions:
Ehlers-Danlos syndrome, classic type, 1 (EDSCL1). Also called: Ehlers-Danlos Syndrome, Classic Type, COL5A1-Related; EHLERS-DANLOS SYNDROME, GRAVIS TYPE; EHLERS-DANLOS SYNDROME, SEVERE CLASSIC TYPE; Ehlers-Danlos syndrome, type 1; EDS I. Identifiers: MedGen C0268335, MONDO:0019567, OMIM 130000.

gnomAD v4.1: 1 of 1,607,034 alleles (0.000062%); no homozygotes.

Submission:

Labcorp Genetics (formerly Invitae), Labcorp
Classification: Uncertain significance for Ehlers-Danlos syndrome, classic type, 1. Last evaluated: 2022-06-11. Review status: criteria provided, single submitter. Criteria: Invitae Variant Classification Sherloc (09022015). Collection method: clinical testing. Allele origin: germline.
Comment: This sequence change falls in intron 54 of the COL5A1 gene. It does not directly change the encoded amino acid sequence of the COL5A1 protein. It affects a nucleotide within the consensus splice site. This variant is not present in population databases (gnomAD no frequency). This variant has not been reported in the literature in individuals affected with COL5A1-related conditions. Variants that disrupt the consensus splice site are a relatively common cause of aberrant splicing (PMID: 17576681, 9536098). Algorithms developed to predict the effect of sequence changes on RNA splicing suggest that this variant is not likely to affect RNA splicing. In summary, the available evidence is currently insufficient to determine the role of this variant in disease. Therefore, it has been classified as a Variant of Uncertain Significance.

Literature cited by the submitters: PubMed 17576681; PubMed 9536098.

NM_000093.5(COL5A1):c.4231-3C>T

Gene: COL5A1 (collagen type V alpha 1 chain; plus strand). Cytogenetic location: 9q34.3.
Variant type: single nucleotide variant.
Coding change: c.4231-3C>T on transcript NM_000093.5 (MANE Select); 3 bases into the intron before coding-DNA position 4231, C replaced by T.
Molecular consequence: intron variant.
Genome position (GRCh38, 1-based): chr9:134,818,653, C>T. VCF-style: chr9-134818653-C-T. GRCh37 (hg19) VCF-style: chr9-137710499-C-T.
Other names: c.4231-3C>T (NM_001278074.1).
Identifiers: ClinVar variation 2163555 (VCV002163555.4), dbSNP rs2490849570, ClinGen allele CA2580080119.